The following is an entry in ClinVar:

ClinVar aggregate classification (germline): Uncertain significance (1 of 4 stars; one submission).

gnomAD v4.1: 33 of 1,613,404 alleles (0.002%); highest among the groups gnomAD compares: Admixed American, 0.055%; no homozygotes.

Submission:

Labcorp Genetics (formerly Invitae), Labcorp
Classification: Uncertain significance. Last evaluated: 2026-01-08. Review status: criteria provided, single submitter. Criteria: Invitae Variant Classification Sherloc (09022015). Collection method: clinical testing. Allele origin: germline.
Comment: This sequence change replaces phenylalanine, which is neutral and non-polar, with isoleucine, which is neutral and non-polar, at codon 131 of the KRT10 protein (p.Phe131Ile). This variant is present in population databases (rs775004391, gnomAD 0.08%). This variant has not been reported in the literature in individuals affected with KRT10-related conditions. Invitae Evidence Modeling of protein sequence and biophysical properties (such as structural, functional, and spatial information, amino acid conservation, physicochemical variation, residue mobility, and thermodynamic stability) has been performed for this missense variant. However, the output from this modeling did not meet the statistical confidence thresholds required to predict the impact of this variant on KRT10 protein function. In summary, the available evidence is currently insufficient to determine the role of this variant in disease. Therefore, it has been classified as a Variant of Uncertain Significance.

NM_000421.5(KRT10):c.391T>A (p.Phe131Ile)

Genes: KRT10 (keratin 10; minus strand), KRT10-AS1 (KRT10 antisense RNA 1; plus strand). Cytogenetic location: 17q21.2.
Variant type: single nucleotide variant.
Coding change: c.391T>A on transcript NM_000421.5 (MANE Select); coding-DNA position 391, T replaced by A.
Protein change: p.Phe131Ile; replaces phenylalanine 131 with isoleucine.
Molecular consequence: missense variant.
Genome position (GRCh38, 1-based): chr17:40,822,195, A>T on the plus strand (T>A on the coding strand, the complement: KRT10 is on the minus strand). VCF-style: chr17-40822195-A-T. GRCh37 (hg19) VCF-style: chr17-38978447-A-T.
Other names: c.391T>A, p.Phe131Ile (NM_001379366.1); short protein forms F131I.
Identifiers: ClinVar variation 4798381 (VCV004798381.1).